The following is an entry in ClinVar:

ClinVar aggregate classification (germline): Conflicting classifications of pathogenicity. Review status: criteria provided, conflicting classifications (1 of 4 stars). 18 submissions from 18 submitters: Uncertain significance (1); Benign (5); Likely benign (7). 5 of the submissions do not count toward it. Last evaluated 2026-02-04.

Conditions:
BRCA2-related cancer predisposition. Identifiers: MedGen CN377758, MONDO:0700269.
Hereditary cancer-predisposing syndrome. Also called: Hereditary Cancer Syndrome; Tumor predisposition; Neoplastic Syndromes, Hereditary; Hereditary neoplastic syndrome. Identifiers: Orphanet 140162, MedGen C0027672, MeSH D009386, MONDO:0015356.
Breast and/or ovarian cancer. Identifiers: MedGen CN221562.
Hereditary breast ovarian cancer syndrome. Also called: Breast and ovarian cancer; BRCA1- and BRCA2-Associated Hereditary Breast and Ovarian Cancer; Hereditary breast and ovarian cancer; Hereditary breast and ovarian cancer syndrome (HBOC); Hereditary breast and ovarian cancer syndrome; Hereditary breast and/or ovarian cancer syndrome. Identifiers: Orphanet 145, MedGen C0677776, MeSH D061325, MONDO:0003582. Disease mechanism: loss of function.
Breast-ovarian cancer, familial, susceptibility to, 2 (BROVCA2). Also called: BRCA2 Hereditary Breast and Ovarian Cancer. Identifiers: Orphanet 145, MedGen C2675520, MONDO:0012933, OMIM 612555. Disease mechanism: loss of function.
Malignant tumor of breast. Also called: Malignant breast neoplasm; Cancer breast. Identifiers: MedGen C0006142, MONDO:0007254. Disease mechanism: loss of function.

Submissions (18):

Labcorp Genetics (formerly Invitae), Labcorp
Classification: Benign for Hereditary breast ovarian cancer syndrome. Last evaluated: 2026-02-04. Review status: criteria provided, single submitter. Criteria: Invitae Variant Classification Sherloc (09022015). Collection method: clinical testing. Allele origin: germline.

Quest Diagnostics Nichols Institute San Juan Capistrano
Classification: Benign. Last evaluated: 2025-07-30. Review status: criteria provided, single submitter. Criteria: Quest Diagnostics criteria. Collection method: clinical testing. Allele origin: unknown.

CeGaT Center for Human Genetics Tuebingen
Classification: Likely benign. Last evaluated: 2025-02-01. Review status: criteria provided, single submitter. Criteria: CeGaT Center For Human Genetics Tuebingen Variant Classification Criteria Version 2. Collection method: clinical testing. Allele origin: germline. Affected: yes. Observed: 1 variant allele.
Comment: BRCA2: BP1, BS1

Molecular Diagnostics Laboratory, Catalan Institute of Oncology
Classification: Likely benign for Hereditary cancer-predisposing syndrome. Last evaluated: 2025-01-15. Review status: criteria provided, single submitter. Criteria: ClinGen BRCA1BRCA2 ACMG Specifications BRCA2 V1.0.0. Collection method: clinical testing. Allele origin: germline.
Comment: BP1_strong, PM2_supporting The c.2926_2927delinsAT variant (also known as p.S976I), located in coding exon 11 of the BRCA2 gene, results from an in-frame deletion of 2 nucleotides and insertion of AT at nucleotide positions 2926 to 2927 (BP1_strong). It is not present in the population database gnomAD v2.1.1, non cancer dataset (PM2_supporting). The SpliceAI algorithm predicts no significant impact on splicing. To our knowledge, neither relevant clinical data nor well-stablished functional studies have been reported for this variant. Also, the variant has not been reviewed neither in ClinVar nor in BRCA Exchange databases. Based on currently available information, the variant c.2926_2927delinsAT should be considered a likely benign variant.

All of Us Research Program, National Institutes of Health
Classification: Likely benign for BRCA2-related cancer predisposition. Last evaluated: 2024-09-23. Review status: criteria provided, single submitter. Criteria: ACMG Guidelines, 2015. Collection method: clinical testing. Allele origin: germline. Inheritance: Autosomal dominant inheritance. Observed: 14 variant alleles, 14 heterozygotes.
Comment: This study involves interpretation of variants in research participants for the purpose of population health screening. Participant phenotype was not available at the time of variant classification. Additional details can be found in publication PMID: 35346344, PMCID: PMC8962531

University of Washington Department of Laboratory Medicine, University of Washington
Classification: Likely benign for Hereditary cancer-predisposing syndrome. Last evaluated: 2023-03-23. Review status: criteria provided, single submitter. Criteria: Dines et al. (Genet Med. 2020). Collection method: curation. Allele origin: germline.
Comment: Missense variant in a coldspot region where missense variants are very unlikely to be pathogenic (PMID:31911673).

BRCA2 exon 11 coldspot. Reclassification based on statistical prior probability.

CHEO Genetics Diagnostic Laboratory, Children's Hospital of Eastern Ontario
Classification: Likely benign for Breast and/or ovarian cancer. Last evaluated: 2021-10-12. Review status: criteria provided, single submitter. Criteria: ACMG Guidelines, 2015. Collection method: clinical testing. Allele origin: germline.

Genetic Services Laboratory, University of Chicago
Classification: Likely benign. Last evaluated: 2021-01-20. Review status: criteria provided, single submitter. Criteria: ACMG Guidelines, 2015. Collection method: clinical testing. Allele origin: germline. Affected: no.

Women's Health and Genetics/Laboratory Corporation of America, LabCorp
Classification: Benign. Last evaluated: 2016-05-02. Review status: criteria provided, single submitter. Criteria: LabCorp Variant Classification Summary - May 2015. Collection method: clinical testing. Allele origin: germline.
Comment: Variant summary: The c.2926_2927delinsAT variant involves the alteration of two nucleotides resulting in an amino acid change from Ser to Ile. The variant was observed in the large and broad cohorts of the ExAC project at an allele frequency of 0.073%, predominantly observed in the African subpopulation at a frequency of 0.85%. This frequency exceeds the maximal expected allele frequency for a pathogenic variant in BRCA2 (0.075%) by 11-fold, suggesting this is a benign polymorphism found primarily in population(s) of African origin. The variant has been reported in patients and controls in the literature and has been classified by multiple reputable clinical labs as "benign". Additionally, the variant was found to co-occur with pathogenic variants from several databases: BRCA1 c.3817C>T, p.Gln1273X (UMD); BRCA2 c.9026_9030delATCAT, p.Tyr3009_His3010?fs (BIC); BRCA1 c.815_824dupAGCCATGTGG, p.Thr276Alafs (BIC). Taken together, this variant has been classified as a benign.

GeneDx
Classification: Benign. Last evaluated: 2015-09-24. Review status: criteria provided, single submitter. Criteria: GeneDx Variant Classification (06012015). Collection method: clinical testing. Allele origin: germline. Affected: yes.
Comment: This variant is considered likely benign or benign based on one or more of the following criteria: it is a conservative change, it occurs at a poorly conserved position in the protein, it is predicted to be benign by multiple in silico algorithms, and/or has population frequency not consistent with disease.

Color Diagnostics, LLC DBA Color Health
Classification: Likely benign for Hereditary cancer-predisposing syndrome. Last evaluated: 2015-09-23. Review status: criteria provided, single submitter. Criteria: ACMG Guidelines, 2015. Collection method: clinical testing. Allele origin: germline.

Ambry Genetics
Classification: Benign for Hereditary cancer-predisposing syndrome. Last evaluated: 2014-11-19. Review status: criteria provided, single submitter. Criteria: Ambry Variant Classification Scheme 2023. Collection method: clinical testing. Allele origin: germline.

Eurofins Ntd Llc (ga)
Classification: Uncertain significance. Last evaluated: 2014-09-08. Review status: criteria provided, single submitter. Criteria: EGL Classification Definitions 2015. Collection method: clinical testing. Allele origin: germline. Observed: 1 variant allele, 1 heterozygote.

Department of Medical and Surgical Sciences, University of Bologna
Classification: Likely benign for Breast-ovarian cancer, familial, susceptibility to, 2. Last evaluated: 2023-09-01. Review status: no assertion criteria provided. Collection method: clinical testing. Allele origin: germline. Affected: yes. Not counted in ClinVar's aggregate classification.
Comment: BP1(Strong) according to ACMG/AMP classification guidelines specified for BRCA1 & BRCA2 (Classification Criteria V1.0.0 2023-09-08) (PMID: 38160042)

Counsyl
Classification: Likely benign for Breast-ovarian cancer, familial, susceptibility to, 2. Last evaluated: 2015-12-22. Review status: no assertion criteria provided. Collection method: clinical testing. Allele origin: unknown. Not counted in ClinVar's aggregate classification.

ITMI
No classification provided. Condition: AllHighlyPenetrant. Last evaluated: 2013-09-19. Review status: no classification provided. Collection method: reference population. Allele origin: germline. Not counted in ClinVar's aggregate classification.
Comment: Please see associated publication for description of ethnicities

Breast Cancer Information Core (BIC) (BRCA2)
Classification: Benign for Breast-ovarian cancer, familial 2. Last evaluated: 2002-05-29. Review status: no assertion criteria provided. Collection method: clinical testing. Allele origin: germline. Affected: yes. Observed: 26 variant alleles. Not counted in ClinVar's aggregate classification.

Department of Pathology and Laboratory Medicine, Sinai Health System
Classification: Benign for Malignant tumor of breast. Review status: no assertion criteria provided. Collection method: clinical testing. Allele origin: unknown. Affected: yes. Study: The Canadian Open Genetics Repository (COGR). Not counted in ClinVar's aggregate classification.
Comment: The BRCA2 p.Ser976Ile variant was identified in 2 of 3116 proband chromosomes (frequency: 0.0006) from individuals or families with breast cancer (Lee_2008_18284688, Weitzel_2005_16030099). The variant was also identified in the following databases: dbSNP (ID: rs276174831) as â€šÃ„ÃºWith other alleleâ€šÃ„Ã¹ , ClinVar (as benign by BIC, Invitae, Quest Diagnostics, Sinai Health System, LabCorp, CHEO, GeneDx, and Ambry Genetics, as likely benign by Counsyl and Color Genomics, and as uncertain significance by EGL Diagnostics), Clinvitae (with conflicting interpretations of pathogenicity), COGR (as benign by COGR consensus), LOVD 3.0 (13x), UMD-LSDB (11 x classified as neutral and co-occurring with a pathogenic BRCA1 variant p.Gln1273X), BIC Database (26 x in BIC with no classification). The variant was not identified in Cosmic, MutDB, ARUP Laboratories, Zhejiang Colon Cancer Database. The variant was identified in the Exome Aggregation Consortium (August 8th 2016), and the Genome Aggregation Database (Feb 27, 2017) listed under two different dbSNP identification numbers: rs11571656; rs144862123; in both cases it was identified in 167 of approximately 23980 African population chromosomes (frequency: 0.0069) and was also observed in Latino in 9 of 34204 chromosomes, increasing the likelihood that this may be a low frequency allele without clinical significance. This variant is an in-frame deletion resulting in the removal of a serine (Ser) residue at codon 976; the impact of this alteration on BRCA2 protein function is not known. Although the p.Ser976 residue is not conserved in mammals, four out of five computational analyses (PolyPhen-2, SIFT, AlignGVGD, BLOSUM, MutationTaster) suggest that the p.Ser976Ile variant may impact the protein. However, this information is not predictive enough to assume pathogenicity. One in silico study yielded inconclusive risk predictions for this variant (Lee_2008). The variant occurs outside of the splicing consensus sequence and 1 of 5 in silico or computational prediction software programs (SpliceSiteFinder, MaxEntScan, NNSPLICE, GeneSplicer, HumanSpliceFinder) predict a greater than 10% difference in splicing; this is not very predictive of pathogenicity. In summary, based on the above information, this variant meets our labortory's criteria to be classified as benign.

Literature cited by the submitters: PubMed 12491487 (cited by 3 submitters); PubMed 16030099 (cited by 3 submitters); PubMed 18284688 (cited by 3 submitters); PubMed 36605468 (cited by Quest Diagnostics Nichols Institute San Juan Capistrano); PubMed 24728327 (cited by 4 submitters); PubMed 32866190 (cited by Quest Diagnostics Nichols Institute San Juan Capistrano); PubMed 23929434 (cited by Women's Health and Genetics/Laboratory Corporation of America, LabCorp); PubMed 26635394 (cited by Counsyl).

NM_000059.4(BRCA2):c.2926_2927delinsAT (p.Ser976Ile)

Gene: BRCA2 (BRCA2 DNA repair associated; plus strand). Cytogenetic location: 13q13.1.
Variant type: Indel.
Coding change: c.2926_2927delinsAT on transcript NM_000059.4 (MANE Select); coding-DNA positions 2926 to 2927, TC replaced by AT.
Protein change: p.Ser976Ile; replaces serine 976 with isoleucine.
Molecular consequence: missense variant.
Genome position (GRCh38, 1-based): chr13:32,337,281-32,337,282, TC replaced by AT. VCF-style: chr13-32337281-TC-AT. GRCh37 (hg19) VCF-style: chr13-32911418-TC-AT.
Other names: p.S976I:TCC>ATC; c.2926_2927delTCinsAT (NM_000059.3); short protein forms S976I.
Identifiers: ClinVar variation 51372 (VCV000051372.50), dbSNP rs276174831, ClinGen allele CA016802.
Genomic context (GRCh38, chr13:32,337,281, plus strand): 5'-AAAAATAGTGTAAAGCAGCATATAAAAATGACTCTAGGTCAAGATTTAAAATCGGACATC[TC>AT]CTTGAATATAGATAAAATACCAGAAAAAAATAATGATTACATGAACAAATGGGCAGGACT-3'
Protein context (NP_000050.3, residues 966-986): TLGQDLKSDI[Ser976Ile]LNIDKIPEKN